The following is an entry in ClinVar:

ClinVar aggregate classification (germline): Conflicting classifications of pathogenicity. Review status: criteria provided, conflicting classifications (1 of 4 stars). 8 submissions from 8 submitters: Uncertain significance (5); Likely benign (2). 1 of the submissions does not count toward it. Last evaluated 2024-11-12.

Conditions:
PCNT-related disorder. Also called: PCNT-related condition.
Microcephalic osteodysplastic primordial dwarfism type II (MOPD2). Also called: MOPD II; OSTEODYSPLASTIC PRIMORDIAL DWARFISM, TYPE II; Microcephalic osteodysplastic primordial dwarfism with tooth abnormalities. Identifiers: Orphanet 2637, MedGen C0432246, MONDO:0008872, OMIM 210720.

Allele frequency attached by ClinVar (database versions not stated): gnomAD 0.00043 and 0.00029; ESP Exome Variant Server 0.00046; TOPMed 0.00047; 1000 Genomes Project 30x 0.00016; 1000 Genomes Project 0.00020; gnomAD exomes 0.00029 and 0.00030; ExAC 0.00030.
gnomAD v4.1: 489 of 1,602,302 alleles (0.031%); highest among the groups gnomAD compares: Non-Finnish European, 0.033%; no homozygotes.

Submissions (10):

Blueprint Genetics
Classification: Likely benign. Last evaluated: 2024-11-12. Review status: criteria provided, single submitter. Criteria: ACMG Guidelines, 2015. Collection method: clinical testing. Allele origin: germline.

CeGaT Center for Human Genetics Tuebingen
Classification: Likely benign. Last evaluated: 2024-07-01. Review status: criteria provided, single submitter. Criteria: CeGaT Center For Human Genetics Tuebingen Variant Classification Criteria Version 2. Collection method: clinical testing. Allele origin: germline. Affected: yes. Observed: 2 variant alleles.
Comment: PCNT: BP4

Department of Pathology and Laboratory Medicine, Sinai Health System
Classification: Uncertain significance for microcephalic osteodysplastic primordial dwarfism type II. Last evaluated: 2023-03-12. Review status: criteria provided, single submitter. Criteria: ACMG Guidelines, 2015. Collection method: research. Allele origin: germline.

Labcorp Genetics (formerly Invitae), Labcorp
Classification: Uncertain significance. Last evaluated: 2022-09-12. Review status: criteria provided, single submitter. Criteria: Invitae Variant Classification Sherloc (09022015). Collection method: clinical testing. Allele origin: germline.
Comment: This sequence change falls in intron 46 of the PCNT gene. It does not directly change the encoded amino acid sequence of the PCNT protein. It affects a nucleotide within the consensus splice site. This variant is present in population databases (rs182378192, gnomAD 0.1%). This variant has not been reported in the literature in individuals affected with PCNT-related conditions. ClinVar contains an entry for this variant (Variation ID: 159700). Variants that disrupt the consensus splice site are a relatively common cause of aberrant splicing (PMID: 17576681, 9536098). Algorithms developed to predict the effect of sequence changes on RNA splicing suggest that this variant is not likely to affect RNA splicing. In summary, the available evidence is currently insufficient to determine the role of this variant in disease. Therefore, it has been classified as a Variant of Uncertain Significance.

Illumina Laboratory Services, Illumina
Classification: Uncertain significance for Microcephalic osteodysplastic primordial dwarfism type II. Last evaluated: 2018-01-12. Review status: criteria provided, single submitter. Criteria: ICSL Variant Classification Criteria 13 December 2019. Collection method: clinical testing. Allele origin: germline.

Genetic Services Laboratory, University of Chicago
Classification: Uncertain significance for Microcephalic osteodysplastic primordial dwarfism, type II. Last evaluated: 2014-07-24. Review status: criteria provided, single submitter. Criteria: ACMG Guidelines, 2015. Collection method: clinical testing. Allele origin: germline. Inheritance: Autosomal recessive inheritance.

Breakthrough Genomics
Classification: Uncertain significance. Review status: criteria provided, single submitter. Criteria: ACMG Guidelines, 2015. Collection method: not provided. Allele origin: germline. Inheritance: Autosomal dominant inheritance. Affected: yes.

PreventionGenetics, part of Exact Sciences
Classification: Likely benign for PCNT-related condition. Last evaluated: 2022-02-10. Review status: no assertion criteria provided. Collection method: clinical testing. Allele origin: germline. Not counted in ClinVar's aggregate classification.
Comment: This variant is classified as likely benign based on ACMG/AMP sequence variant interpretation guidelines (Richards et al. 2015 PMID: 25741868, with internal and published modifications).

Dr. Peter K. Rogan Lab, Western University
No classification provided (evidence only). Condition: Cervical cancer. Review status: no classification provided. Collection method: in vitro. Allele origin: not applicable. Functional consequence: retained intron. Not counted in ClinVar's aggregate classification.

Dr. Peter K. Rogan Lab, Western University
No classification provided (evidence only). Condition: Thymoma. Review status: no classification provided. Collection method: in vitro. Allele origin: not applicable. Functional consequence: retained intron. Not counted in ClinVar's aggregate classification.

Literature cited by the submitters: PubMed 17576681 (cited by Labcorp Genetics (formerly Invitae), Labcorp); PubMed 9536098 (cited by Labcorp Genetics (formerly Invitae), Labcorp).

NM_006031.6(PCNT):c.9968-3C>T

Gene: PCNT (pericentrin; plus strand). Cytogenetic location: 21q22.3.
Variant type: single nucleotide variant.
Coding change: c.9968-3C>T on transcript NM_006031.6 (MANE Select); 3 bases into the intron before coding-DNA position 9968, C replaced by T.
Molecular consequence: intron variant.
Genome position (GRCh38, 1-based): chr21:46,445,281, C>T. VCF-style: chr21-46445281-C-T. GRCh37 (hg19) VCF-style: chr21-47865194-C-T.
Other names: c.9377-3C>T (NM_001315529.2).
Identifiers: ClinVar variation 159700 (VCV000159700.40), dbSNP rs182378192, ClinGen allele CA251140.